The following is an entry in ClinVar:

ClinVar aggregate classification (germline): Uncertain significance (1 of 4 stars; one submission).

Allele frequency attached by ClinVar (database versions not stated): gnomAD exomes below 0.00001.
gnomAD v4.1: 1 of 1,613,634 alleles (0.000062%); highest among the groups gnomAD compares: Non-Finnish European, 0.000085%; no homozygotes.

Submission:

GeneDx
Classification: Uncertain significance. Last evaluated: 2022-01-10. Review status: criteria provided, single submitter. Criteria: GeneDx Variant Classification Process June 2021. Collection method: clinical testing. Allele origin: germline. Affected: yes.
Comment: Not observed at significant frequency in large population cohorts (gnomAD); In silico analysis supports that this missense variant does not alter protein structure/function; Has not been previously published as pathogenic or benign to our knowledge

NM_052867.4(NALCN):c.568C>T (p.Leu190Phe)

Gene: NALCN (sodium leak channel, non-selective; minus strand). Cytogenetic location: 13q33.1.
Variant type: single nucleotide variant.
Coding change: c.568C>T on transcript NM_052867.4 (MANE Select); coding-DNA position 568, C replaced by T.
Protein change: p.Leu190Phe; replaces leucine 190 with phenylalanine.
Molecular consequence: missense variant.
Genome position (GRCh38, 1-based): chr13:101,376,776, G>A on the plus strand (C>T on the coding strand, the complement: NALCN is on the minus strand). VCF-style: chr13-101376776-G-A. GRCh37 (hg19) VCF-style: chr13-102029127-G-A.
Other names: c.568C>T, p.Leu190Phe (NM_001350748.2, NM_001350749.2, NM_001350750.2 and 1 more transcripts); short protein forms L190F.
Identifiers: ClinVar variation 1695666 (VCV001695666.2), dbSNP rs2139420194, ClinGen allele CA388705415.